The following is an entry in ClinVar:

ClinVar aggregate classification (germline): Uncertain significance. Review status: criteria provided, multiple submitters, no conflicts (2 of 4 stars). 2 submissions from 2 submitters: Uncertain significance (2). Last evaluated 2024-12-18.

Conditions:
Ataxia-telangiectasia syndrome (AT). Also called: Cerebello-oculocutaneous telangiectasia; Immunodeficiency with ataxia telangiectasia; Ataxia telangiectasia (A-T); LOUIS-BAR SYNDROME; Ataxia-telangiectasia, complementation group D; AT, COMPLEMENTATION GROUP C. Identifiers: Orphanet 100, MedGen C0004135, MONDO:0008840, OMIM 208900.

Submissions (2):

Labcorp Genetics (formerly Invitae), Labcorp
Classification: Uncertain significance for Ataxia-telangiectasia syndrome. Last evaluated: 2024-12-18. Review status: criteria provided, single submitter. Criteria: Invitae Variant Classification Sherloc (09022015). Collection method: clinical testing. Allele origin: germline.
Comment: This sequence change replaces threonine, which is neutral and polar, with asparagine, which is neutral and polar, at codon 878 of the ATM protein (p.Thr878Asn). This variant is not present in population databases (gnomAD no frequency). This variant has not been reported in the literature in individuals affected with ATM-related conditions. ClinVar contains an entry for this variant (Variation ID: 2014188). Invitae Evidence Modeling of protein sequence and biophysical properties (such as structural, functional, and spatial information, amino acid conservation, physicochemical variation, residue mobility, and thermodynamic stability) indicates that this missense variant is not expected to disrupt ATM protein function with a negative predictive value of 95%. In summary, the available evidence is currently insufficient to determine the role of this variant in disease. Therefore, it has been classified as a Variant of Uncertain Significance.

GeneDx
Classification: Uncertain significance. Last evaluated: 2022-08-11. Review status: criteria provided, single submitter. Criteria: GeneDx Variant Classification Process June 2021. Collection method: clinical testing. Allele origin: germline. Affected: yes.
Comment: Not observed at significant frequency in large population cohorts (gnomAD); In silico analysis supports that this missense variant does not alter protein structure/function; Has not been previously published as pathogenic or benign to our knowledge

NM_000051.4(ATM):c.2633C>A (p.Thr878Asn)

Gene: ATM (ATM serine/threonine kinase; plus strand). Cytogenetic location: 11q22.3.
Variant type: single nucleotide variant.
Coding change: c.2633C>A on transcript NM_000051.4 (MANE Select); coding-DNA position 2633, C replaced by A.
Protein change: p.Thr878Asn; replaces threonine 878 with asparagine.
Molecular consequence: missense variant.
Genome position (GRCh38, 1-based): chr11:108,267,337, C>A. VCF-style: chr11-108267337-C-A. GRCh37 (hg19) VCF-style: chr11-108138064-C-A.
Other names: c.2633C>A, p.Thr878Asn (NM_001351834.2); short protein forms T878N.
Identifiers: ClinVar variation 2014188 (VCV002014188.5), dbSNP rs2497600128, ClinGen allele CA382544337.